The following is an entry in ClinVar:

NM_001127178.3(PIGG):c.867G>T (p.Leu289=)

Gene: PIGG (phosphatidylinositol glycan anchor biosynthesis class G (EMM blood group); plus strand). Cytogenetic location: 4p16.3.
Variant type: single nucleotide variant.
Coding change: c.867G>T on transcript NM_001127178.3 (MANE Select); coding-DNA position 867, G replaced by T.
Protein change: p.Leu289=; no amino-acid change (leucine 289 retained).
Molecular consequence: synonymous variant. On other transcripts: 5 prime UTR variant (3), non-coding transcript variant (10), intron variant (1).
Genome position (GRCh38, 1-based): chr4:508,936, G>T. VCF-style: chr4-508936-G-T. GRCh37 (hg19) VCF-style: chr4-502725-G-T.
Other names: c.600G>T, p.Leu200= (NM_001289051.2, NM_001289053.2, NM_001289057.2 and 2 more transcripts); c.468G>T, p.Leu156= (NM_001289052.2); c.501G>T, p.Leu167= (NM_001289055.2); c.867G>T, p.Leu289= (NM_001345989.2, NM_017733.5); c.-759G>T (NM_001345990.2); c.-621G>T (NM_001345991.2); c.-346G>T (NM_001345994.2); c.-129+1343G>T (NM_001345988.2).
Identifiers: ClinVar variation 746413 (VCV000746413.12), dbSNP rs149769844, ClinGen allele CA2793124.
Genomic context (GRCh38, chr4:508,936, plus strand): 5'-TGGCATGTCTGAAACAGGAAGTCACGGGGCCTCCTCCACCGAGGAGGTGAATACACCTCT[G>T]ATTTTAATCAGTTCTGCGTTTGAAAGGAAACCCGGTGAGAATTTAGGAATGTTAACAGTT-3'
Protein context (NP_001120650.1, residues 279-299): ASSTEEVNTP[Leu289=]ILISSAFERK

ClinVar aggregate classification (germline): Conflicting classifications of pathogenicity. Review status: criteria provided, conflicting classifications (1 of 4 stars). 2 submissions from 2 submitters: Uncertain significance (1); Likely benign (1). Last evaluated 2025-04-26.

Conditions:
Intellectual disability, autosomal recessive 53 (NEDHSCA). Also called: NEURODEVELOPMENTAL DISORDER WITH OR WITHOUT HYPOTONIA, SEIZURES, AND CEREBELLAR ATROPHY; GLYCOSYLPHOSPHATIDYLINOSITOL BIOSYNTHESIS DEFECT 13; Mental retardation, autosomal recessive 53. Identifiers: Orphanet 488635, MedGen C4310794, MONDO:0014832, OMIM 616917.

Allele frequency attached by ClinVar (database versions not stated): gnomAD 0.00001 and 0.00004; TOPMed 0.00001; gnomAD exomes 0.00008 and 0.00013; ExAC 0.00012; 1000 Genomes Project 30x 0.00047; 1000 Genomes Project 0.00060.
gnomAD v4.1: 188 of 1,613,704 alleles (0.012%); highest among the groups gnomAD compares: East Asian, 0.42%; 1 homozygote.

Submissions (2):

Labcorp Genetics (formerly Invitae), Labcorp
Classification: Likely benign for Intellectual disability, autosomal recessive 53. Last evaluated: 2025-04-26. Review status: criteria provided, single submitter. Criteria: Invitae Variant Classification Sherloc (09022015). Collection method: clinical testing. Allele origin: germline.

GeneDx
Classification: Uncertain significance. Last evaluated: 2025-02-27. Review status: criteria provided, single submitter. Criteria: GeneDx Variant Classification Process June 2021. Collection method: clinical testing. Allele origin: germline. Affected: yes.
Comment: Has not been previously published as pathogenic or benign to our knowledge; In silico analysis is inconclusive as to whether the variant alters gene splicing. In the absence of RNA/functional studies, the actual effect of this sequence change is unknown.